The following is an entry in ClinVar:

NM_001374353.1(GLI2):c.332G>A (p.Gly111Glu)

Gene: GLI2 (GLI family zinc finger 2; plus strand). Cytogenetic location: 2q14.2.
Variant type: single nucleotide variant.
Coding change: c.332G>A on transcript NM_001374353.1 (MANE Select); coding-DNA position 332, G replaced by A.
Protein change: p.Gly111Glu; replaces glycine 111 with glutamic acid.
Molecular consequence: missense variant. On other transcripts: 5 prime UTR variant (1).
Genome position (GRCh38, 1-based): chr2:120,951,320, G>A. VCF-style: chr2-120951320-G-A. GRCh37 (hg19) VCF-style: chr2-121708896-G-A.
Other names: c.332G>A, p.Gly111Glu (NM_001371271.1, NM_005270.5); c.-44G>A (NM_001374354.1); short protein forms G111E.
Identifiers: ClinVar variation 2573807 (VCV002573807.1), dbSNP rs1183446012, ClinGen allele CA348161882.
Genomic context (GRCh38, chr2:120,951,320, plus strand): 5'-GCAGCCCTGTCATCTCTGACATCTCCTTGATCCGGCTTTCCCCGCACCCGGCTGGCCCTG[G>A]GGAGTCCCCCTTCAACGCCCCCCACCCGTACGTGAACCCCCACATGGAGCACTACCTCCG-3'
Protein context (NP_001361282.1, residues 101-121): IRLSPHPAGP[Gly111Glu]ESPFNAPHPY

ClinVar aggregate classification (germline): Uncertain significance (1 of 4 stars; one submission).

Allele frequency attached by ClinVar (database versions not stated): gnomAD exomes below 0.00001; TOPMed below 0.00001; gnomAD 0.00001.
gnomAD v4.1: 3 of 1,604,834 alleles (0.00019%); highest among the groups gnomAD compares: African/African-American, 0.0027%; no homozygotes.

Submission:

GeneDx
Classification: Uncertain significance. Last evaluated: 2023-07-24. Review status: criteria provided, single submitter. Criteria: GeneDx Variant Classification Process June 2021. Collection method: clinical testing. Allele origin: germline. Affected: yes.
Comment: Not observed at significant frequency in large population cohorts (gnomAD); In silico analysis supports that this missense variant has a deleterious effect on protein structure/function; Has not been previously published as pathogenic or benign to our knowledge